The following is an entry in ClinVar:

NM_005228.5(EGFR):c.3272-1G>A

Gene: EGFR (epidermal growth factor receptor; plus strand). Cytogenetic location: 7p11.2.
Variant type: single nucleotide variant.
Coding change: c.3272-1G>A on transcript NM_005228.5 (MANE Select); the canonical splice acceptor site of the intron before coding-DNA position 3272, G replaced by A.
Molecular consequence: splice acceptor variant.
Genome position (GRCh38, 1-based): chr7:55,205,255, G>A. VCF-style: chr7-55205255-G-A. GRCh37 (hg19) VCF-style: chr7-55272948-G-A.
Other names: c.3137-1G>A (NM_001346899.2); c.2471-1G>A (NM_001346941.2); c.3113-1G>A (NM_001346900.2).
Identifiers: ClinVar variation 2811938 (VCV002811938.3), dbSNP rs2128975071, ClinGen allele CA367584253.

ClinVar aggregate classification (germline): Uncertain significance (1 of 4 stars; one submission).

Conditions:
EGFR-related lung cancer (EGFR). Identifiers: MedGen CN130014.

Submission:

Labcorp Genetics (formerly Invitae), Labcorp
Classification: Uncertain significance for EGFR-related lung cancer. Last evaluated: 2022-11-04. Review status: criteria provided, single submitter. Criteria: Invitae Variant Classification Sherloc (09022015). Collection method: clinical testing. Allele origin: germline.
Comment: In summary, the available evidence is currently insufficient to determine the role of this variant in disease. Therefore, it has been classified as a Variant of Uncertain Significance. Variants that disrupt the consensus splice site are a relatively common cause of aberrant splicing (PMID: 17576681, 9536098). Algorithms developed to predict the effect of sequence changes on RNA splicing suggest that this variant may disrupt the consensus splice site. This variant has not been reported in the literature in individuals affected with EGFR-related conditions. This variant is not present in population databases (gnomAD no frequency). This sequence change affects an acceptor splice site in intron 27 of the EGFR gene. While this variant is not anticipated to result in nonsense mediated decay, it likely alters RNA splicing and results in a disrupted protein product.

Literature cited by the submitters: PubMed 17576681; PubMed 9536098.